The following is an entry in ClinVar:

NM_006915.3(RP2):c.50C>G (p.Pro17Arg)

Genes: RP2 (RP2 activator of ARL3 GTPase; plus strand), LOC130068202 (ATAC-STARR-seq lymphoblastoid active region 29577; plus strand). Cytogenetic location: Xp11.3.
Variant type: single nucleotide variant.
Coding change: c.50C>G on transcript NM_006915.3 (MANE Select); coding-DNA position 50, C replaced by G.
Protein change: p.Pro17Arg; replaces proline 17 with arginine.
Molecular consequence: missense variant.
Genome position (GRCh38, 1-based): chrX:46,837,150, C>G. VCF-style: chrX-46837150-C-G. GRCh37 (hg19) VCF-style: chrX-46696585-C-G.
Other names: short protein forms P17R.
Identifiers: ClinVar variation 1939583 (VCV001939583.5), dbSNP rs782387061, ClinGen allele CA10394165.

ClinVar aggregate classification (germline): Uncertain significance (1 of 4 stars; one submission).

Allele frequency attached by ClinVar (database versions not stated): gnomAD 0.00001; TOPMed 0.00001.
gnomAD v4.1: 2 of 1,169,544 alleles (0.00017%); highest among the groups gnomAD compares: Non-Finnish European, 0.00023%; no homozygotes.

Submission:

Labcorp Genetics (formerly Invitae), Labcorp
Classification: Uncertain significance. Last evaluated: 2023-12-27. Review status: criteria provided, single submitter. Criteria: Invitae Variant Classification Sherloc (09022015). Collection method: clinical testing. Allele origin: germline.
Comment: This sequence change replaces proline, which is neutral and non-polar, with arginine, which is basic and polar, at codon 17 of the RP2 protein (p.Pro17Arg). This variant is not present in population databases (gnomAD no frequency). This variant has not been reported in the literature in individuals affected with RP2-related conditions. ClinVar contains an entry for this variant (Variation ID: 1939583). Advanced modeling of protein sequence and biophysical properties (such as structural, functional, and spatial information, amino acid conservation, physicochemical variation, residue mobility, and thermodynamic stability) has been performed at Invitae for this missense variant, however the output from this modeling did not meet the statistical confidence thresholds required to predict the impact of this variant on RP2 protein function. In summary, the available evidence is currently insufficient to determine the role of this variant in disease. Therefore, it has been classified as a Variant of Uncertain Significance.